The following is an entry in ClinVar:

NM_182931.3(KMT2E):c.1688C>G (p.Ser563Ter)

Gene: KMT2E (lysine methyltransferase 2E (inactive); plus strand). Cytogenetic location: 7q22.3.
Variant type: single nucleotide variant.
Coding change: c.1688C>G on transcript NM_182931.3 (MANE Select); coding-DNA position 1688, C replaced by G.
Protein change: p.Ser563Ter; replaces serine 563 with a stop codon.
Molecular consequence: nonsense.
Genome position (GRCh38, 1-based): chr7:105,091,280, C>G. VCF-style: chr7-105091280-C-G. GRCh37 (hg19) VCF-style: chr7-104731727-C-G.
Other names: c.1688C>G, p.Ser563Ter (NM_018682.4); short protein forms S563*.
Identifiers: ClinVar variation 1690915 (VCV001690915.2), dbSNP rs2129568923, ClinGen allele CA368783081.

ClinVar aggregate classification (germline): Likely pathogenic (1 of 4 stars; one submission).

Submission:

Laboratorio de Genetica e Diagnostico Molecular, Hospital Israelita Albert Einstein
Classification: Likely pathogenic. Last evaluated: 2020-07-16. Review status: criteria provided, single submitter. Criteria: ACMG Guidelines, 2015. Collection method: clinical testing. Allele origin: germline. Affected: yes.
Comment: ACMG classification criteria: PVS1, PM2